The following is an entry in ClinVar:

ClinVar aggregate classification (germline): Uncertain significance (1 of 4 stars; one submission).

gnomAD v4.1: 3 of 1,614,124 alleles (0.00019%); highest among the groups gnomAD compares: Non-Finnish European, 0.00025%; no homozygotes.

Submission:

GeneDx
Classification: Uncertain significance. Last evaluated: 2025-06-04. Review status: criteria provided, single submitter. Criteria: GeneDx Variant Classification Process June 2021. Collection method: clinical testing. Allele origin: germline. Affected: yes.
Comment: Reported previously in a patient with epilepsy with auditory features; however, a similarly affected sibling did not harbor the variant and per the authors, this variant did not segregate with the disorder and did not support pathogenicity (PMID: 29179159); Not observed at significant frequency in large population cohorts (gnomAD); In silico analysis supports that this missense variant has a deleterious effect on protein structure/function; This variant is associated with the following publications: (PMID: 29179159)

NM_014141.6(CNTNAP2):c.2339C>T (p.Ser780Leu)

Gene: CNTNAP2 (contactin associated protein 2; plus strand). Cytogenetic location: 7q35.
Variant type: single nucleotide variant.
Coding change: c.2339C>T on transcript NM_014141.6 (MANE Select); coding-DNA position 2339, C replaced by T.
Protein change: p.Ser780Leu; replaces serine 780 with leucine.
Molecular consequence: missense variant.
Genome position (GRCh38, 1-based): chr7:147,977,945, C>T. VCF-style: chr7-147977945-C-T. GRCh37 (hg19) VCF-style: chr7-147675037-C-T.
Other names: short protein forms S780L.
Identifiers: ClinVar variation 4536367 (VCV004536367.1).
Genomic context (GRCh38, chr7:147,977,945, plus strand): 5'-CATACAAAGATCACCTGCCAGTGAGCCAAGTGGTGGTTGGAGATACTGACCGTCAAGGCT[C>T]AGAAGCCAAATTGAGCGTAGGTCCTCTGCGCTGCCAAGGAGACAGTAAGTTTGCATAGCA-3'
Protein context (NP_054860.1, residues 770-790): VVVGDTDRQG[Ser780Leu]EAKLSVGPLR